The following is an entry in ClinVar:

NM_182961.4(SYNE1):c.22413C>A (p.Phe7471Leu)

Gene: SYNE1 (spectrin repeat containing nuclear envelope protein 1; minus strand). Cytogenetic location: 6q25.2.
Variant type: single nucleotide variant.
Coding change: c.22413C>A on transcript NM_182961.4 (MANE Select); coding-DNA position 22413, C replaced by A.
Protein change: p.Phe7471Leu; replaces phenylalanine 7471 with leucine.
Molecular consequence: missense variant.
Genome position (GRCh38, 1-based): chr6:152,213,693, G>T on the plus strand (C>A on the coding strand, the complement: SYNE1 is on the minus strand). VCF-style: chr6-152213693-G-T. GRCh37 (hg19) VCF-style: chr6-152534828-G-T.
Other names: c.22200C>A, p.Phe7400Leu (NM_033071.5); short protein forms F7400L, F7471L.
Identifiers: ClinVar variation 4071649 (VCV004071649.1).

ClinVar aggregate classification (germline): Uncertain significance (1 of 4 stars; one submission).

gnomAD v4.1: 1 of 1,613,880 alleles (0.000062%); highest among the groups gnomAD compares: African/African-American, 0.0013%; no homozygotes.

Submission:

GeneDx
Classification: Uncertain significance. Last evaluated: 2025-01-23. Review status: criteria provided, single submitter. Criteria: GeneDx Variant Classification Process June 2021. Collection method: clinical testing. Allele origin: germline. Affected: yes.
Comment: Not observed at significant frequency in large population cohorts (gnomAD); In silico analysis supports that this missense variant has a deleterious effect on protein structure/function; Has not been previously published as pathogenic or benign to our knowledge